The following is an entry in ClinVar:

NM_001848.3(COL6A1):c.1776+91C>T

Gene: COL6A1 (collagen type VI alpha 1 chain; plus strand). Cytogenetic location: 21q22.3.
Variant type: single nucleotide variant.
Coding change: c.1776+91C>T on transcript NM_001848.3 (MANE Select); 91 bases into the intron after coding-DNA position 1776, C replaced by T.
Molecular consequence: intron variant.
Genome position (GRCh38, 1-based): chr21:45,999,783, C>T. VCF-style: chr21-45999783-C-T. GRCh37 (hg19) VCF-style: chr21-47419697-C-T.
Identifiers: ClinVar variation 679947 (VCV000679947.2), dbSNP rs8131101, ClinGen allele CA14888038.

ClinVar aggregate classification (germline): Benign. Review status: criteria provided, multiple submitters, no conflicts (2 of 4 stars). 2 submissions from 2 submitters: Benign (2). Last evaluated 2018-06-14.

Allele frequency attached by ClinVar (database versions not stated): 1000 Genomes Project 0.86542; 1000 Genomes Project 30x 0.86852; gnomAD 0.87067; TOPMed 0.87614.
gnomAD v4.1: 908,870 of 1,073,832 alleles (85%); highest among the groups gnomAD compares: Admixed American, 91%; 387,099 homozygotes.

Submissions (2):

GeneDx
Classification: Benign. Last evaluated: 2018-06-14. Review status: criteria provided, single submitter. Criteria: GeneDx Variant Classification (06012015). Collection method: clinical testing. Allele origin: germline. Affected: yes.
Comment: This variant is considered likely benign or benign based on one or more of the following criteria: it is a conservative change, it occurs at a poorly conserved position in the protein, it is predicted to be benign by multiple in silico algorithms, and/or has population frequency not consistent with disease.

Breakthrough Genomics
Classification: Benign. Review status: criteria provided, single submitter. Criteria: ACMG Guidelines, 2015. Collection method: not provided. Allele origin: germline. Inheritance: Autosomal recessive inheritance. Affected: yes.